The following is an entry in ClinVar:

ClinVar aggregate classification (germline): Uncertain significance. Review status: criteria provided, multiple submitters, no conflicts (2 of 4 stars). 4 submissions from 4 submitters: Uncertain significance (4). Last evaluated 2026-03-16.

Conditions:
Inborn genetic diseases. Identifiers: MedGen C0950123, MeSH D030342.

Allele frequency attached by ClinVar (database versions not stated): gnomAD 0.00001; gnomAD exomes 0.00001; TOPMed 0.00001; ExAC 0.00002; ESP Exome Variant Server 0.00008.
gnomAD v4.1: 12 of 1,614,016 alleles (0.00074%); highest among the groups gnomAD compares: African/African-American, 0.0013%; no homozygotes.

Submissions (4):

Women's Health and Genetics/Laboratory Corporation of America, LabCorp
Classification: Uncertain significance. Last evaluated: 2026-03-16. Review status: criteria provided, single submitter. Criteria: LabCorp Variant Classification Summary - May 2015. Collection method: clinical testing. Allele origin: germline.
Comment: Variant summary: DSE c.2075A>G (p.His692Arg) results in a non-conservative amino acid change in the encoded protein sequence. Algorithms developed to predict the effect of missense changes on protein structure and function are either unavailable or do not agree on the potential impact of this missense change. The variant allele was found at a frequency of 2e-05 in 251008 control chromosomes. The available data on variant occurrences in the general population are insufficient to allow any conclusion about variant significance. To our knowledge, no occurrence of c.2075A>G in individuals affected with DSE-related conditions and no experimental evidence demonstrating its impact on protein function have been reported. ClinVar contains an entry for this variant (Variation ID: 2428884). Based on the evidence outlined above, the variant was classified as uncertain significance.

Blueprint Genetics
Classification: Uncertain significance. Last evaluated: 2024-05-27. Review status: criteria provided, single submitter. Criteria: ACMG Guidelines, 2015. Collection method: clinical testing. Allele origin: germline.

Ambry Genetics
Classification: Uncertain significance for Inborn genetic diseases. Last evaluated: 2024-05-13. Review status: criteria provided, single submitter. Criteria: Ambry Variant Classification Scheme 2023. Collection method: clinical testing. Allele origin: germline.

GeneDx
Classification: Uncertain significance. Last evaluated: 2022-08-01. Review status: criteria provided, single submitter. Criteria: GeneDx Variant Classification Process June 2021. Collection method: clinical testing. Allele origin: germline. Affected: yes.
Comment: Not observed at significant frequency in large population cohorts (gnomAD); In silico analysis supports that this missense variant does not alter protein structure/function; Has not been previously published as pathogenic or benign to our knowledge

NM_013352.4(DSE):c.2075A>G (p.His692Arg)

Gene: DSE (dermatan sulfate epimerase; plus strand). Cytogenetic location: 6q22.1.
Variant type: single nucleotide variant.
Coding change: c.2075A>G on transcript NM_013352.4 (MANE Select); coding-DNA position 2075, A replaced by G.
Protein change: p.His692Arg; replaces histidine 692 with arginine.
Molecular consequence: missense variant. On other transcripts: 3 prime UTR variant (2), non-coding transcript variant (1).
Genome position (GRCh38, 1-based): chr6:116,436,543, A>G. VCF-style: chr6-116436543-A-G. GRCh37 (hg19) VCF-style: chr6-116757706-A-G.
Other names: c.2075A>G, p.His692Arg (NM_001080976.3, NM_001322937.2, NM_001322938.2); c.2132A>G, p.His711Arg (NM_001322939.2); c.1514A>G, p.His505Arg (NM_001322940.2, NM_001322941.2); c.*940A>G (NM_001322943.2, NM_001322944.2); c.1076A>G, p.His359Arg (NM_001374520.1); c.1040A>G, p.His347Arg (NM_001374521.1); short protein forms H347R, H359R, H505R, H692R, H711R.
Identifiers: ClinVar variation 2428884 (VCV002428884.6), dbSNP rs374283523, ClinGen allele CA3969757.
Genomic context (GRCh38, chr6:116,436,543, plus strand): 5'-AGAGCTTCACTGTCCACGGAGACTCTCAGCAACTGGATGTGTTCATAGCCACCAGCAAAC[A>G]TGCCTACGCCACATACCTGTGGACAGGTGAGGCCACAGGACAGTCTGCCTTTGCACAGGT-3'
Protein context (NP_037484.1, residues 682-702): QLDVFIATSK[His692Arg]AYATYLWTGE